The following is an entry in ClinVar:

NM_000492.4(CFTR):c.1028G>T (p.Cys343Phe)

Gene: CFTR (CF transmembrane conductance regulator; plus strand). Cytogenetic location: 7q31.2.
Variant type: single nucleotide variant.
Coding change: c.1028G>T on transcript NM_000492.4 (MANE Select); coding-DNA position 1028, G replaced by T.
Protein change: p.Cys343Phe; replaces cysteine 343 with phenylalanine.
Molecular consequence: missense variant.
Genome position (GRCh38, 1-based): chr7:117,540,258, G>T. VCF-style: chr7-117540258-G-T. GRCh37 (hg19) VCF-style: chr7-117180312-G-T.
Other names: short protein forms C343F.
Identifiers: ClinVar variation 2624962 (VCV002624962.2), dbSNP rs746657594, ClinGen allele CA4450878.
Genomic context (GRCh38, chr7:117,540,258, plus strand): 5'-TTCCCTATGCACTAATCAAAGGAATCATCCTCCGGAAAATATTCACCACCATCTCATTCT[G>T]CATTGTTCTGCGCATGGCGGTCACTCGGCAATTTCCCTGGGCTGTACAAACATGGTATGA-3'
Protein context (NP_000483.3, residues 333-353): LRKIFTTISF[Cys343Phe]IVLRMAVTRQ

ClinVar aggregate classification (germline): Uncertain significance (1 of 4 stars; one submission).

Conditions:
Cystic fibrosis (CF). Also called: MUCOVISCIDOSIS. Identifiers: Orphanet 586, MedGen C0010674, MONDO:0009061, OMIM 219700. Disease mechanism: loss of function.

Allele frequency attached by ClinVar (database versions not stated): gnomAD exomes below 0.00001; ExAC 0.00001.
gnomAD v4.1: 3 of 1,614,032 alleles (0.00019%); highest among the groups gnomAD compares: Non-Finnish European, 0.000085%; no homozygotes.

Submission:

Ambry Genetics
Classification: Uncertain significance for Cystic fibrosis. Last evaluated: 2023-09-09. Review status: criteria provided, single submitter. Criteria: Ambry Variant Classification Scheme 2023. Collection method: clinical testing. Allele origin: germline.
Comment: The p.C343F variant (also known as c.1028G>T), located in coding exon 8 of the CFTR gene, results from a G to T substitution at nucleotide position 1028. The cysteine at codon 343 is replaced by phenylalanine, an amino acid with highly dissimilar properties. This amino acid position is conserved. In addition, the in silico prediction for this alteration is inconclusive. Since supporting evidence is limited at this time, the clinical significance of this alteration remains unclear.